The following is an entry in ClinVar:

NM_006254.4(PRKCD):c.250G>T (p.Val84Leu)

Gene: PRKCD (protein kinase C delta; plus strand). Cytogenetic location: 3p21.1.
Variant type: single nucleotide variant.
Coding change: c.250G>T on transcript NM_006254.4 (MANE Select); coding-DNA position 250, G replaced by T.
Protein change: p.Val84Leu; replaces valine 84 with leucine.
Molecular consequence: missense variant.
Genome position (GRCh38, 1-based): chr3:53,179,711, G>T. VCF-style: chr3-53179711-G-T. GRCh37 (hg19) VCF-style: chr3-53213727-G-T.
Other names: c.250G>T, p.Val84Leu (NM_001316327.2, NM_001354679.2, NM_001354680.2 and 1 more transcripts); c.307G>T, p.Val103Leu (NM_001354676.2); c.298G>T, p.Val100Leu (NM_001354678.2); short protein forms V100L, V103L, V84L.
Identifiers: ClinVar variation 1362995 (VCV001362995.8), dbSNP rs1327842167, ClinGen allele CA353233300.

ClinVar aggregate classification (germline): Uncertain significance (1 of 4 stars; one submission).

Conditions:
Autoimmune lymphoproliferative syndrome, type III caused by mutation in PRKCD. Identifiers: Orphanet 3261, Orphanet 664711, MedGen C3809928, MONDO:8000024, OMIM 615559.

Submission:

Labcorp Genetics (formerly Invitae), Labcorp
Classification: Uncertain significance for Autoimmune lymphoproliferative syndrome, type III caused by mutation in PRKCD. Last evaluated: 2021-01-06. Review status: criteria provided, single submitter. Criteria: Invitae Variant Classification Sherloc (09022015). Collection method: clinical testing. Allele origin: germline.
Comment: In summary, the available evidence is currently insufficient to determine the role of this variant in disease. Therefore, it has been classified as a Variant of Uncertain Significance. Algorithms developed to predict the effect of missense changes on protein structure and function are either unavailable or do not agree on the potential impact of this missense change (SIFT: "Deleterious"; PolyPhen-2: "Benign"; Align-GVGD: "Class C0"). This variant has not been reported in the literature in individuals with PRKCD-related conditions. This variant is not present in population databases (ExAC no frequency). This sequence change replaces valine with leucine at codon 84 of the PRKCD protein (p.Val84Leu). The valine residue is highly conserved and there is a small physicochemical difference between valine and leucine.